The following is an entry in ClinVar:

ClinVar aggregate classification (germline): Likely pathogenic (1 of 4 stars; one submission).

Allele frequency attached by ClinVar (database versions not stated): gnomAD exomes below 0.00001; TOPMed 0.00001.
gnomAD v4.1: 1 of 1,613,662 alleles (0.000062%); no homozygotes.

Submission:

GeneDx
Classification: Likely pathogenic. Last evaluated: 2016-10-25. Review status: criteria provided, single submitter. Criteria: GeneDx Variant Classification (06012015). Collection method: clinical testing. Allele origin: germline. Affected: yes.
Comment: A novel variant that is likely pathogenic was identified in the ALPK3 gene. The c.5105+5 G>C variant has not been published as a pathogenic variant, nor has it been reported as a benign variant to our knowledge. This variant was not observed in approximately 6,500 individuals of European and African American ancestry in the NHLBI Exome Sequencing Project, indicating it is not a common benign variant in these populations. This substitution occurs at a nucleotide that is conserved across species. In silico splice prediction programs predict the c.5105+5 G>C variant destroys the natural splice donor site in intron 11 and is predicted to cause abnormal gene splicing. This variant is predicted to lead to either an abnormal message that is subject to nonsense-mediated mRNA decay, or to an abnormal protein product if the message is used for protein translation. However, in the absence of functional mRNA studies, the physiological consequence of this variant cannot be precisely determined. Furthermore, only one splice site variants in the ALPK3 gene has been reported in HGMD in association with cardiomyopathy (Stenson et al., 2014).Therefore, this variant is likely pathogenic. In order to definitively determine its clinical significance, additional data is required.

NM_020778.5(ALPK3):c.4499+5G>C

Gene: ALPK3 (alpha kinase 3; plus strand). Cytogenetic location: 15q25.3.
Variant type: single nucleotide variant.
Coding change: c.4499+5G>C on transcript NM_020778.5 (MANE Select); 5 bases into the intron after coding-DNA position 4499, G replaced by C.
Molecular consequence: intron variant.
Genome position (GRCh38, 1-based): chr15:84,863,645, G>C. VCF-style: chr15-84863645-G-C. GRCh37 (hg19) VCF-style: chr15-85406876-G-C.
Identifiers: ClinVar variation 390237 (VCV000390237.2), dbSNP rs1057523687, ClinGen allele CA16607893.
Genomic context (GRCh38, chr15:84,863,645, plus strand): 5'-TGCAAAATCTTCGCAGCAGAAGCCCGGGCCGCGCCTGGCTTTGGGGAGGTGCCTGAGTAA[G>C]TACGCAGCGAGGAGGACGTGCAGTGTGCAGCACTGTTGCCTTGGGCTTCTGCAAAGACAG-3'